The following is an entry in ClinVar:

NM_014159.7(SETD2):c.3948T>G (p.Thr1316=)

Gene: SETD2 (SET domain containing 2, histone lysine methyltransferase; minus strand). Cytogenetic location: 3p21.31.
Variant type: single nucleotide variant.
Coding change: c.3948T>G on transcript NM_014159.7 (MANE Select); coding-DNA position 3948, T replaced by G.
Protein change: p.Thr1316=; no amino-acid change (threonine 1316 retained).
Molecular consequence: synonymous variant. On other transcripts: non-coding transcript variant (1).
Genome position (GRCh38, 1-based): chr3:47,120,688, A>C on the plus strand (T>G on the coding strand, the complement: SETD2 is on the minus strand). VCF-style: chr3-47120688-A-C. GRCh37 (hg19) VCF-style: chr3-47162178-A-C.
Other names: c.3816T>G, p.Thr1272= (NM_001349370.3).
Identifiers: ClinVar variation 3049380 (VCV003049380.3), dbSNP rs374444514, ClinGen allele CA2363291.

ClinVar aggregate classification (germline): Likely benign. Review status: criteria provided, single submitter (1 of 4 stars). 2 submissions from 2 submitters: Likely benign (1). 1 of the submissions does not count toward it. Last evaluated 2024-09-30.

Conditions:
SETD2-related disorder.

Allele frequency attached by ClinVar (database versions not stated): gnomAD exomes below 0.00001; TOPMed below 0.00001; ExAC 0.00001; gnomAD 0.00001; ESP Exome Variant Server 0.00008.
gnomAD v4.1: 7 of 1,614,038 alleles (0.00043%); highest among the groups gnomAD compares: Non-Finnish European, 0.00059%; no homozygotes.

Submissions (2):

Blueprint Genetics
Classification: Likely benign. Last evaluated: 2024-09-30. Review status: criteria provided, single submitter. Criteria: ACMG Guidelines, 2015. Collection method: clinical testing. Allele origin: germline.

PreventionGenetics, part of Exact Sciences
Classification: Likely benign for SETD2-related condition. Last evaluated: 2019-07-09. Review status: no assertion criteria provided. Collection method: clinical testing. Allele origin: germline. Not counted in ClinVar's aggregate classification.
Comment: This variant is classified as likely benign based on ACMG/AMP sequence variant interpretation guidelines (Richards et al. 2015 PMID: 25741868, with internal and published modifications).